The following is an entry in ClinVar:

NM_020975.6(RET):c.1088C>G (p.Ser363Cys)

Gene: RET (ret proto-oncogene; plus strand). Cytogenetic location: 10q11.21.
Variant type: single nucleotide variant.
Coding change: c.1088C>G on transcript NM_020975.6 (MANE Select); coding-DNA position 1088, C replaced by G.
Protein change: p.Ser363Cys; replaces serine 363 with cysteine.
Molecular consequence: missense variant. On other transcripts: intron variant (18).
Genome position (GRCh38, 1-based): chr10:43,109,055, C>G. VCF-style: chr10-43109055-C-G. GRCh37 (hg19) VCF-style: chr10-43604503-C-G.
Other names: c.1088C>G, p.Ser363Cys (NM_000323.2, NM_001406743.1, NM_001406744.1 and 6 more transcripts); c.326C>G, p.Ser109Cys (NM_001355216.2); c.959C>G, p.Ser320Cys (NM_001406761.1, NM_001406762.1, NM_001406764.1 and 1 more transcripts); c.800C>G, p.Ser267Cys (NM_001406766.1, NM_001406767.1, NM_001406770.1); c.650C>G, p.Ser217Cys (NM_001406771.1, NM_001406773.1); c.362C>G, p.Ser121Cys (NM_001406775.1, NM_001406776.1, NM_001406777.1 and 1 more transcripts); c.98C>G, p.Ser33Cys (NM_001406784.1); c.868-2152C>G (NM_001406772.1, NM_001406769.1); and 5 more; short protein forms S109C, S121C, S217C, S267C, S320C, S33C, S363C.
Identifiers: ClinVar variation 2507348 (VCV002507348.2), dbSNP rs766881522, ClinGen allele CA206258792.

ClinVar aggregate classification (germline): Uncertain significance. Review status: criteria provided, multiple submitters, no conflicts (2 of 4 stars). 2 submissions from 2 submitters: Uncertain significance (2). Last evaluated 2024-07-24.

Conditions:
Hereditary cancer-predisposing syndrome. Also called: Hereditary Cancer Syndrome; Hereditary neoplastic syndrome; Neoplastic Syndromes, Hereditary; Tumor predisposition. Identifiers: Orphanet 140162, MedGen C0027672, MeSH D009386, MONDO:0015356.

Submissions (2):

Ambry Genetics
Classification: Uncertain significance for Hereditary cancer-predisposing syndrome. Last evaluated: 2024-07-24. Review status: criteria provided, single submitter. Criteria: Ambry Variant Classification Scheme 2023. Collection method: clinical testing. Allele origin: germline.
Comment: The p.S363C variant (also known as c.1088C>G), located in coding exon 6 of the RET gene, results from a C to G substitution at nucleotide position 1088. The serine at codon 363 is replaced by cysteine, an amino acid with dissimilar properties. This amino acid position is conserved. In addition, this alteration is predicted to be tolerated by in silico analysis. Based on the available evidence, the clinical significance of this variant remains unclear.

GeneDx
Classification: Uncertain significance. Last evaluated: 2022-12-30. Review status: criteria provided, single submitter. Criteria: GeneDx Variant Classification Process June 2021. Collection method: clinical testing. Allele origin: germline. Affected: yes.
Comment: Not observed at significant frequency in large population cohorts (gnomAD); In silico analysis supports that this missense variant does not alter protein structure/function; Has not been previously published as pathogenic or benign to our knowledge; This variant is associated with the following publications: (PMID: 14633923)